The following is an entry in ClinVar:

ClinVar aggregate classification (germline): Pathogenic. Review status: criteria provided, multiple submitters, no conflicts (2 of 4 stars). 2 submissions from 2 submitters: Pathogenic (2). Last evaluated 2022-09-29.

Conditions:
Neurodevelopmental disorder with hyperkinetic movements and dyskinesia. Identifiers: MedGen C5562038, MONDO:0859211, OMIM 619651.

Submissions (2):

Breakthrough Genomics
Classification: Pathogenic for Neurodevelopmental disorder with hyperkinetic movements and dyskinesia. Last evaluated: 2022-09-29. Review status: criteria provided, single submitter. Criteria: ACMG Guidelines, 2015. Collection method: clinical testing. Allele origin: germline. Affected: yes.
Comment: This variant has not been reported in literature. However, truncating variants lying in the downstream of the identified variants have been reported as pathogenic in the context of dyskinesia with orofacial involvement, autosomal dominant/recessive in the ClinVar database. Loss-of-function variants in the ADCY5 gene are known to be pathogenic [PMID: 28971144, 34631954].

Labcorp Genetics (formerly Invitae), Labcorp
Classification: Pathogenic. Last evaluated: 2022-05-13. Review status: criteria provided, single submitter. Criteria: Invitae Variant Classification Sherloc (09022015). Collection method: clinical testing. Allele origin: germline.
Comment: This sequence change creates a premature translational stop signal (p.Ala60Glyfs*27) in the ADCY5 gene. It is expected to result in an absent or disrupted protein product. Loss-of-function variants in ADCY5 are known to be pathogenic (PMID: 28971144, 34631954). The frequency data for this variant in the population databases is considered unreliable, as metrics indicate poor data quality at this position in the gnomAD database. This premature translational stop signal has been observed in individual(s) with clinical features of autosomal recessive ADCY5-related conditions (Invitae). For these reasons, this variant has been classified as Pathogenic.

Literature cited by the submitters: PubMed 28971144 (cited by Labcorp Genetics (formerly Invitae), Labcorp); PubMed 34631954 (cited by Labcorp Genetics (formerly Invitae), Labcorp).

NM_183357.3(ADCY5):c.178dup (p.Ala60fs)

Gene: ADCY5 (adenylate cyclase 5; minus strand). Cytogenetic location: 3q21.1.
Variant type: Duplication.
Coding change: c.178dup on transcript NM_183357.3 (MANE Select); coding-DNA position 178, one base duplicated (G; older notation c.178dupG).
Protein change: p.Ala60fs; shifts the reading frame from alanine 60.
Molecular consequence: frameshift variant.
Genome position (GRCh38, 1-based): chr3:123,448,368, C duplicated on the plus strand (G on the coding strand, the reverse complement: ADCY5 is on the minus strand); the first of 7 consecutive C bases (chr3:123,448,368-123,448,374); duplicating any one gives the same sequence. VCF-style (leftmost placement, unchanged base first): chr3-123448367-G-GC. GRCh37 (hg19) VCF-style: chr3-123167214-G-GC.
Other names: p.Ala60GlyfsTer27; c.178dup, p.Ala60fs (NM_001378259.1); c.178dup (NM_183357.2); short protein forms A60fs.
Identifiers: ClinVar variation 1452793 (VCV001452793.7), dbSNP rs756172692, ClinGen allele CA2577733.